The following is an entry in ClinVar:

NM_001042681.2(RERE):c.3649C>G (p.Leu1217Val)

Gene: RERE (arginine-glutamic acid dipeptide repeats; minus strand). Cytogenetic location: 1p36.23.
Variant type: single nucleotide variant.
Coding change: c.3649C>G on transcript NM_001042681.2 (MANE Select); coding-DNA position 3649, C replaced by G.
Protein change: p.Leu1217Val; replaces leucine 1217 with valine.
Molecular consequence: missense variant.
Genome position (GRCh38, 1-based): chr1:8,358,886, G>C on the plus strand (C>G on the coding strand, the complement: RERE is on the minus strand). VCF-style: chr1-8358886-G-C. GRCh37 (hg19) VCF-style: chr1-8418946-G-C.
Other names: c.1987C>G, p.Leu663Val (NM_001042682.2); c.3649C>G, p.Leu1217Val (NM_012102.4); short protein forms L663V, L1217V.
Identifiers: ClinVar variation 4997785 (VCV004997785.1).

ClinVar aggregate classification (germline): Uncertain significance (1 of 4 stars; one submission).

Conditions:
RERE-related disorder. Also called: RERE-related condition; RERE-Related Disorders. Identifiers: MedGen CN381537.

Submission:

PreventionGenetics, part of Exact Sciences
Classification: Uncertain significance for RERE-related condition. Last evaluated: 2025-01-23. Review status: criteria provided, single submitter. Criteria: ACMG Guidelines, 2015. Collection method: clinical testing. Allele origin: germline.
Comment: The RERE c.3649C>G variant is predicted to result in the amino acid substitution p.Leu1217Val. To our knowledge, this variant has not been reported in the literature or in a large population database (gnomAD), indicating this variant is rare. At this time, the clinical significance of this variant is uncertain due to the absence of conclusive functional and genetic evidence.